The following is an entry in ClinVar:

ClinVar aggregate classification (germline): Uncertain significance (1 of 4 stars; one submission).

Submission:

Labcorp Genetics (formerly Invitae), Labcorp
Classification: Uncertain significance. Last evaluated: 2022-08-22. Review status: criteria provided, single submitter. Criteria: Invitae Variant Classification Sherloc (09022015). Collection method: clinical testing. Allele origin: germline.
Comment: This sequence change replaces leucine, which is neutral and non-polar, with isoleucine, which is neutral and non-polar, at codon 346 of the FOXI1 protein (p.Leu346Ile). This variant is not present in population databases (gnomAD no frequency). This variant has not been reported in the literature in individuals affected with FOXI1-related conditions. Algorithms developed to predict the effect of missense changes on protein structure and function (SIFT, PolyPhen-2, Align-GVGD) all suggest that this variant is likely to be tolerated. In summary, the available evidence is currently insufficient to determine the role of this variant in disease. Therefore, it has been classified as a Variant of Uncertain Significance.

NM_012188.5(FOXI1):c.1036C>A (p.Leu346Ile)

Gene: FOXI1 (forkhead box I1; plus strand). Cytogenetic location: 5q35.1.
Variant type: single nucleotide variant.
Coding change: c.1036C>A on transcript NM_012188.5 (MANE Select); coding-DNA position 1036, C replaced by A.
Protein change: p.Leu346Ile; replaces leucine 346 with isoleucine.
Molecular consequence: missense variant.
Genome position (GRCh38, 1-based): chr5:170,108,510, C>A. VCF-style: chr5-170108510-C-A. GRCh37 (hg19) VCF-style: chr5-169535514-C-A.
Other names: c.751C>A, p.Leu251Ile (NM_144769.4); short protein forms L251I, L346I.
Identifiers: ClinVar variation 1901317 (VCV001901317.2), dbSNP rs1349715486, ClinGen allele CA362128642.